The following is an entry in ClinVar:

ClinVar aggregate classification (germline): Pathogenic. Review status: criteria provided, multiple submitters, no conflicts (2 of 4 stars). 6 submissions from 6 submitters: Pathogenic (4). 2 of the submissions do not count toward it. Last evaluated 2026-07-20.

Conditions:
Cardiovascular phenotype. Identifiers: MedGen CN230736.
Amyloidosis, hereditary systemic 1 (AMYLD1). Also called: Hereditary oculoleptomeningeal amyloid angiopathy; Familial Transthyretin Amyloidosis; Familial amyloid polyneuropathy; Transthyretin Amyloidosis; AMYLOID CARDIOMYOPATHY; Hereditary Transthyretin Amyloidosis. Identifiers: Orphanet 85447, Orphanet 85451, MedGen C2751492, MONDO:0971004, OMIM 105210.

Submissions (6):

Victorian Clinical Genetics Services, Murdoch Childrens Research Institute
Classification: Pathogenic for Amyloidosis, hereditary systemic 1. Last evaluated: 2026-07-20. Review status: criteria provided, single submitter. Criteria: ACMG Guidelines, 2015. Collection method: clinical testing. Allele origin: germline. Affected: yes.
Comment: This variant is classified as Pathogenic. Evidence in support of pathogenic classification: This variant is absent from gnomAD v4; This variant has strong previous evidence of pathogenicity in unrelated individuals. This variant and alternate nucleotide substitutions resulting in the same predicted protein outcome (c.208A>C and c.210T>A) have been classified as pathogenic/likely pathogenic by clinical laboratories in ClinVar. This variant, also known as p.(Ser50Arg), has been reported in the literature in many individuals with hereditary amyloidosis (PMIDs: 35095067, 29970125); Variant is located in a hotspot region or cluster of pathogenic variants (DECIPHER). Additional information: This variant is predicted to result in a missense amino acid change from Ser to Arg; This variant is heterozygous; This gene is associated with autosomal dominant disease; Alternative amino acid change(s) at the same position are present in gnomAD (highest allele count: v4: 31 heterozygote(s), 0 homozygote(s)); Missense variant with inconclusive in silico prediction(s) and/or uninformative conservation; Gain of function is a known mechanism of disease in this gene and is associated with amyloidosis, hereditary systemic 1 (MIM#105210) and carpal tunnel syndrome, familial (MIM#115430); The condition associated with this gene has incomplete penetrance (PMID: 20301373); Inheritance information for this variant is not currently available in this individual.

Mayo Clinic Laboratories, Mayo Clinic
Classification: Pathogenic. Last evaluated: 2023-03-07. Review status: criteria provided, single submitter. Criteria: ACMG Guidelines, 2015. Collection method: clinical testing. Allele origin: germline. Observed: 1 variant allele.
Comment: PP1, PM1, PM2, PS1, PS4

Ambry Genetics
Classification: Pathogenic for Cardiovascular phenotype. Last evaluated: 2022-07-05. Review status: criteria provided, single submitter. Criteria: Ambry Variant Classification Scheme 2023. Collection method: clinical testing. Allele origin: germline.
Comment: The p.S70R pathogenic mutation (also known as c.210T>G and S50R), located in coding exon 3 of the TTR gene, results from a T to G substitution at nucleotide position 210. The serine at codon 70 is replaced by arginine, an amino acid with dissimilar properties. This mutation has been described in numerous unrelated families of Japanese, Caucasian, and Mexican ancestry with familial amyloid polyneuropathy (Ueno S et al. Biochem. Biophys. Res. Commun. 1990 Jun;169(3):1117-21; Munar-Qu&eacute;s M et al. Amyloid 2007 Jun;14(2):147-52; Gonz&aacute;lez-Duarte A et al. Amyloid 2013 Dec;20(4):221-5). Of note, the nucleotide changes observed in these studies, which all result in the same p.S70R amino acid substitution, include c.210T>G, c.208A>C, and c.210T>A, respectively. In one Italian study, three of four individuals from two unrelated families with this mutation were observed to have a mixed neurologic and cardiac phenotype, while one individual had a primarily neurologic phenotype (Rapezzi C et al. Eur. Heart J. 2013 Feb; 34(7):520-8). This variant is considered to be rare based on population cohorts in the Genome Aggregation Database (gnomAD). Based on the supporting evidence, this alteration is interpreted as a disease-causing mutation.

Labcorp Genetics (formerly Invitae), Labcorp
Classification: Pathogenic for Amyloidosis, hereditary systemic 1. Last evaluated: 2018-12-15. Review status: criteria provided, single submitter. Criteria: Invitae Variant Classification Sherloc (09022015). Collection method: clinical testing. Allele origin: germline.
Comment: A different variant (c.210T>A) giving rise to the same protein effect observed here (p.Ser70Arg) has been determined to be pathogenic (PMID: 24053266, 22745357, 22928869). This suggests that this variant is also likely to be causative of disease. For these reasons, this variant has been classified as Pathogenic. Algorithms developed to predict the effect of missense changes on protein structure and function are either unavailable or do not agree on the potential impact of this missense change (SIFT: "Tolerated"; PolyPhen-2: "Possibly Damaging"; Align-GVGD: "Class Class C0"). This variant has been observed in several individuals with amyloidosis (PMID: 23713495, 1335038, 2363717, 27273296). This variant is also known as p.Ser50Arg in the literature. ClinVar contains an entry for this variant (Variation ID: 13429). This variant is not present in population databases (ExAC no frequency). This sequence change replaces serine with arginine at codon 70 of the TTR protein (p.Ser70Arg). The serine residue is weakly conserved and there is a moderate physicochemical difference between serine and arginine.

Women's Health and Genetics/Laboratory Corporation of America, LabCorp
Classification: Pathogenic for Amyloidogenic transthyretin amyloidosis. Last evaluated: 2015-04-03. Review status: no assertion criteria provided. Collection method: clinical testing. Allele origin: germline. Not counted in ClinVar's aggregate classification.

OMIM
Classification: Pathogenic for AMYLOIDOSIS, HEREDITARY SYSTEMIC 1. Last evaluated: 1992-10-01. Review status: no assertion criteria provided. Collection method: literature only. Allele origin: germline. Not counted in ClinVar's aggregate classification.

Literature cited by the submitters: PubMed 29970125 (cited by Victorian Clinical Genetics Services, Murdoch Childrens Research Institute); PubMed 35095067 (cited by Victorian Clinical Genetics Services, Murdoch Childrens Research Institute); PubMed 20301373 (cited by Victorian Clinical Genetics Services, Murdoch Childrens Research Institute); PubMed 22745357 (cited by 3 submitters); PubMed 22928869 (cited by Mayo Clinic Laboratories, Mayo Clinic and Labcorp Genetics (formerly Invitae), Labcorp); PubMed 2363717 (cited by 4 submitters); PubMed 23713495 (cited by Mayo Clinic Laboratories, Mayo Clinic and Labcorp Genetics (formerly Invitae), Labcorp); PubMed 17577688 (cited by Ambry Genetics); PubMed 24053266 (cited by Ambry Genetics and Labcorp Genetics (formerly Invitae), Labcorp); PubMed 26959691 (cited by Ambry Genetics); PubMed 27466465 (cited by Ambry Genetics); PubMed 28484271 (cited by Ambry Genetics); PubMed 1335038 (cited by Labcorp Genetics (formerly Invitae), Labcorp and OMIM); PubMed 27273296 (cited by Labcorp Genetics (formerly Invitae), Labcorp).

NM_000371.4(TTR):c.210T>G (p.Ser70Arg)

Gene: TTR (transthyretin; plus strand). Cytogenetic location: 18q12.1.
Variant type: single nucleotide variant.
Coding change: c.210T>G on transcript NM_000371.4 (MANE Select); coding-DNA position 210, T replaced by G.
Protein change: p.Ser70Arg; replaces serine 70 with arginine.
Molecular consequence: missense variant.
Genome position (GRCh38, 1-based): chr18:31,595,129, T>G. VCF-style: chr18-31595129-T-G. GRCh37 (hg19) VCF-style: chr18-29175092-T-G.
Other names: S50R; short protein forms S70R.
Identifiers: ClinVar variation 13429 (VCV000013429.11), dbSNP rs121918076, ClinGen allele CA256808.